The following is an entry in ClinVar:

ClinVar aggregate classification (germline): Likely pathogenic (1 of 4 stars; one submission).

Conditions:
Hereditary cancer-predisposing syndrome. Also called: Neoplastic Syndromes, Hereditary; Tumor predisposition; Hereditary Cancer Syndrome; Hereditary neoplastic syndrome. Identifiers: Orphanet 140162, MedGen C0027672, MeSH D009386, MONDO:0015356.

Submission:

Ambry Genetics
Classification: Likely pathogenic for Hereditary cancer-predisposing syndrome. Last evaluated: 2026-03-04. Review status: criteria provided, single submitter. Criteria: Ambry Variant Classification Scheme 2023. Collection method: clinical testing. Allele origin: germline.
Comment: The c.860-1G>A intronic variant results from a G to A substitution one nucleotide upstream from coding exon 5 of the SMARCA4 gene. This nucleotide position is highly conserved in available vertebrate species. In silico splice site analysis predicts that this alteration will weaken the native splice acceptor site and will result in the creation or strengthening of a novel splice acceptor site. Alterations that disrupt the canonical splice site are expected to cause aberrant splicing, resulting in an abnormal protein or a transcript that is subject to nonsense-mediated mRNA decay. Loss-of-function variants in SMARCA4 are known to cause rhabdoid tumor predisposition syndrome including small cell carcinoma of the ovary-hypercalcemic type (SCCOHT); however, such associations with neurodevelopmental disorders are exceedingly rare (Kosho T et al. Am J Med Genet C Semin Med Genet. 2014 Sep;166C(3):262-75; Jelinic P et al. Nat Genet. 2014 May;46(5):424-6). Based on the supporting evidence, this variant is likely pathogenic for rhabdoid tumor predisposition syndrome; however, the association of this variant with Coffin-Siris syndrome is unlikely.

NM_003072.5(SMARCA4):c.860-1G>A

Gene: SMARCA4 (SWI/SNF related BAF chromatin remodeling complex subunit ATPase 4; plus strand). Cytogenetic location: 19p13.2.
Variant type: single nucleotide variant.
Coding change: c.860-1G>A on transcript NM_003072.5 (MANE Select); the canonical splice acceptor site of the intron before coding-DNA position 860, G replaced by A.
Molecular consequence: splice acceptor variant.
Genome position (GRCh38, 1-based): chr19:10,987,665, G>A. VCF-style: chr19-10987665-G-A. GRCh37 (hg19) VCF-style: chr19-11098341-G-A.
Other names: c.860-1G>A (NM_001128844.3, NM_001128849.3, NM_001128847.4 and 6 more transcripts).
Identifiers: ClinVar variation 4843574 (VCV004843574.1).